The following is an entry in ClinVar:

NM_033380.3(COL4A5):c.3437G>A (p.Gly1146Glu)

Gene: COL4A5 (collagen type IV alpha 5 chain; plus strand). Cytogenetic location: Xq22.3.
Variant type: single nucleotide variant.
Coding change: c.3437G>A on transcript NM_033380.3 (MANE Select); coding-DNA position 3437, G replaced by A.
Protein change: p.Gly1146Glu; replaces glycine 1146 with glutamic acid.
Molecular consequence: missense variant.
Genome position (GRCh38, 1-based): chrX:108,665,570, G>A. VCF-style: chrX-108665570-G-A. GRCh37 (hg19) VCF-style: chrX-107908800-G-A.
Other names: c.3437G>A, p.Gly1146Glu (NM_000495.5); short protein forms G1146E.
Identifiers: ClinVar variation 847283 (VCV000847283.13), dbSNP rs2068061224, ClinGen allele CA413847352.

ClinVar aggregate classification (germline): Likely pathogenic. Review status: criteria provided, multiple submitters, no conflicts (2 of 4 stars). 2 submissions from 2 submitters: Likely pathogenic (2). Last evaluated 2021-07-17.

Conditions:
X-linked Alport syndrome (ATS1). Also called: NEPHROPATHY AND DEAFNESS, X-LINKED; COL4A5-Related Nephropathy. Identifiers: Orphanet 63, Orphanet 88917, MedGen C4746986, MONDO:0010520, OMIM 301050.

Submissions (2):

Labcorp Genetics (formerly Invitae), Labcorp
Classification: Likely pathogenic. Last evaluated: 2021-07-17. Review status: criteria provided, single submitter. Criteria: Invitae Variant Classification Sherloc (09022015). Collection method: clinical testing. Allele origin: germline.
Comment: This sequence change replaces glycine with glutamic acid at codon 1146 of the COL4A5 protein (p.Gly1146Glu). The glycine residue is highly conserved and there is a moderate physicochemical difference between glycine and glutamic acid. This variant is not present in population databases (ExAC no frequency). This variant has been observed in individual(s) with clinical features of Alport syndrome (Invitae). In summary, the currently available evidence indicates that the variant is pathogenic, but additional data are needed to prove that conclusively. Therefore, this variant has been classified as Likely Pathogenic. This variant disrupts the triple helix domain of COL4A5. Glycine residues within the Gly-Xaa-Yaa repeats of the triple helix domain are required for the structure and stability of fibrillar collagens (PMID: 7695699, 8218237, 19344236). In COL4A5, missense variants at these glycine residues are significantly enriched in individuals with disease (PMID: 23720012, 27627812) compared to the general population (ExAC).

Medical Genetics, University of Parma
Classification: Likely pathogenic for X-linked Alport syndrome. Last evaluated: 2020-03-11. Review status: criteria provided, single submitter. Criteria: ACMG Guidelines, 2015. Collection method: clinical testing. Allele origin: germline. Affected: yes.

Literature cited by the submitters: PubMed 7695699 (cited by Labcorp Genetics (formerly Invitae), Labcorp); PubMed 8218237 (cited by Labcorp Genetics (formerly Invitae), Labcorp); PubMed 19344236 (cited by Labcorp Genetics (formerly Invitae), Labcorp); PubMed 23720012 (cited by Labcorp Genetics (formerly Invitae), Labcorp); PubMed 27627812 (cited by Labcorp Genetics (formerly Invitae), Labcorp).